The following is an entry in ClinVar:

ClinVar aggregate classification (germline): Uncertain significance (1 of 4 stars; one submission).

Conditions:
Polyhydramnios, megalencephaly, and symptomatic epilepsy (PMSE). Also called: PMSE SYNDROME. Identifiers: Orphanet 500533, MedGen C1970203, MONDO:0012611, OMIM 611087.

Submission:

Labcorp Genetics (formerly Invitae), Labcorp
Classification: Uncertain significance for Polyhydramnios, megalencephaly, and symptomatic epilepsy. Last evaluated: 2022-08-31. Review status: criteria provided, single submitter. Criteria: Invitae Variant Classification Sherloc (09022015). Collection method: clinical testing. Allele origin: germline.
Comment: This sequence change replaces phenylalanine, which is neutral and non-polar, with serine, which is neutral and polar, at codon 30 of the STRADA protein (p.Phe30Ser). In summary, the available evidence is currently insufficient to determine the role of this variant in disease. Therefore, it has been classified as a Variant of Uncertain Significance. Algorithms developed to predict the effect of missense changes on protein structure and function are either unavailable or do not agree on the potential impact of this missense change (SIFT: "Tolerated"; PolyPhen-2: "Probably Damaging"; Align-GVGD: "Class C0"). ClinVar contains an entry for this variant (Variation ID: 566089). This variant has not been reported in the literature in individuals affected with STRADA-related conditions. This variant is not present in population databases (gnomAD no frequency).

NM_001003787.4(STRADA):c.89T>C (p.Phe30Ser)

Gene: STRADA (STE20 related adaptor alpha; minus strand). Cytogenetic location: 17q23.3.
Variant type: single nucleotide variant.
Coding change: c.89T>C on transcript NM_001003787.4 (MANE Select); coding-DNA position 89, T replaced by C.
Protein change: p.Phe30Ser; replaces phenylalanine 30 with serine.
Molecular consequence: missense variant. On other transcripts: 5 prime UTR variant (3), non-coding transcript variant (1), intron variant (5).
Genome position (GRCh38, 1-based): chr17:63,726,643, A>G on the plus strand (T>C on the coding strand, the complement: STRADA is on the minus strand). VCF-style: chr17-63726643-A-G. GRCh37 (hg19) VCF-style: chr17-61804003-A-G.
Other names: c.-57T>C (NM_001003788.3, NM_001363790.1, NM_001363791.1); c.89T>C, p.Phe30Ser (NM_001165970.2, NM_001363788.1); c.65T>C, p.Phe22Ser (NM_001363786.1); c.12+1715T>C (NM_001363789.1, NM_001003786.3, NM_153335.6); c.36+1691T>C (NM_001165969.2, NM_001363787.1); short protein forms F30S, F22S.
Identifiers: ClinVar variation 566089 (VCV000566089.8), dbSNP rs768402945, ClinGen allele CA400595637.